The following is an entry in ClinVar:

NM_007194.4(CHEK2):c.789G>T (p.Glu263Asp)

Gene: CHEK2 (checkpoint kinase 2; minus strand). Cytogenetic location: 22q12.1.
Variant type: single nucleotide variant.
Coding change: c.789G>T on transcript NM_007194.4 (MANE Select); coding-DNA position 789, G replaced by T.
Protein change: p.Glu263Asp; replaces glutamic acid 263 with aspartic acid.
Molecular consequence: missense variant.
Genome position (GRCh38, 1-based): chr22:28,711,912, C>A on the plus strand (G>T on the coding strand, the complement: CHEK2 is on the minus strand). VCF-style: chr22-28711912-C-A. GRCh37 (hg19) VCF-style: chr22-29107900-C-A.
Other names: c.918G>T, p.Glu306Asp (NM_001005735.3); c.126G>T, p.Glu42Asp (NM_001257387.3); c.588G>T, p.Glu196Asp (NM_001349956.3); c.789G>T, p.Glu263Asp (NM_145862.3); short protein forms E263D, E42D, E196D, E306D.
Identifiers: ClinVar variation 483366 (VCV000483366.8), dbSNP rs1555921029, ClinGen allele CA411103039.

ClinVar aggregate classification (germline): Uncertain significance. Review status: criteria provided, multiple submitters, no conflicts (2 of 4 stars). 2 submissions from 2 submitters: Uncertain significance (2). Last evaluated 2025-11-02.

Conditions:
Hereditary cancer-predisposing syndrome. Also called: Neoplastic Syndromes, Hereditary; Tumor predisposition; Hereditary Cancer Syndrome; Hereditary neoplastic syndrome. Identifiers: Orphanet 140162, MedGen C0027672, MeSH D009386, MONDO:0015356.
Familial cancer of breast. Also called: BREAST CANCER, FAMILIAL; Hereditary breast cancer; hereditary breast carcinoma. Identifiers: Orphanet 227535, MedGen C0346153, MONDO:0016419, OMIM 114480. Disease mechanism: loss of function.

Submissions (2):

Labcorp Genetics (formerly Invitae), Labcorp
Classification: Uncertain significance for Familial cancer of breast. Last evaluated: 2025-11-02. Review status: criteria provided, single submitter. Criteria: Invitae Variant Classification Sherloc (09022015). Collection method: clinical testing. Allele origin: germline.
Comment: This sequence change replaces glutamic acid, which is acidic and polar, with aspartic acid, which is acidic and polar, at codon 263 of the CHEK2 protein (p.Glu263Asp). This variant is not present in population databases (gnomAD no frequency). This variant has not been reported in the literature in individuals affected with CHEK2-related conditions. ClinVar contains an entry for this variant (Variation ID: 483366). An algorithm developed to predict the effect of missense changes on protein structure and function outputs the following: PolyPhen-2: "Benign". The aspartic acid amino acid residue is found in multiple mammalian species, which suggests that this missense change does not adversely affect protein function. In summary, the available evidence is currently insufficient to determine the role of this variant in disease. Therefore, it has been classified as a Variant of Uncertain Significance.

Ambry Genetics
Classification: Uncertain significance for Hereditary cancer-predisposing syndrome. Last evaluated: 2016-04-25. Review status: criteria provided, single submitter. Criteria: Ambry Variant Classification Scheme 2023. Collection method: clinical testing. Allele origin: germline.
Comment: The p.E263D variant (also known as c.789G>T), located in coding exon 5 of the CHEK2 gene, results from a G to T substitution at nucleotide position 789. The glutamic acid at codon 263 is replaced by aspartic acid, an amino acid with highly similar properties. This variant was not reported in population based cohorts in the following databases: Database of Single Nucleotide Polymorphisms (dbSNP), NHLBI Exome Sequencing Project (ESP), and 1000 Genomes Project. In the ESP, this variant was not observed in 6503 samples (13006 alleles) with coverage at this position. To date, this alteration has been detected with an allele frequency of approximately 0.001% (greater than 130000 alleles tested) in our clinical cohort. This amino acid position is well conserved in available vertebrate species. In addition, the in silico prediction for this alteration is inconclusive. Since supporting evidence is limited at this time, the clinical significance of this alteration remains unclear.